The following is an entry in ClinVar:

ClinVar aggregate classification (germline): Uncertain significance. Review status: criteria provided, multiple submitters, no conflicts (2 of 4 stars). 3 submissions from 3 submitters: Uncertain significance (3). Last evaluated 2024-05-29.

Conditions:
Fanconi anemia (FA). Also called: Fanconi's anemia. Identifiers: Orphanet 84, MedGen C0015625, MeSH D005199, MONDO:0019391.
Fanconi anemia complementation group D2. Also called: FANCD2-Related Fanconi Anemia; FANCONI PANCYTOPENIA, TYPE 4; FANCONI ANEMIA, COMPLEMENTATION GROUP D. Identifiers: Orphanet 84, MedGen C3160738, MONDO:0009214, OMIM 227646.

Allele frequency attached by ClinVar (database versions not stated): gnomAD exomes 0.00001 and below 0.00001; TOPMed below 0.00001; ExAC 0.00001.
gnomAD v4.1: 7 of 1,614,202 alleles (0.00043%); highest among the groups gnomAD compares: East Asian, 0.0089%; no homozygotes.

Submissions (3):

Women's Health and Genetics/Laboratory Corporation of America, LabCorp
Classification: Uncertain significance. Last evaluated: 2024-05-29. Review status: criteria provided, single submitter. Criteria: LabCorp Variant Classification Summary - May 2015. Collection method: clinical testing. Allele origin: germline.
Comment: Variant summary: FANCD2 c.4402C>T (p.Pro1468Ser) results in a non-conservative amino acid change in the encoded protein sequence. Three of four in-silico tools predict a benign effect of the variant on protein function. The variant allele was found at a frequency of 1.2e-05 in 251452 control chromosomes (gnomAD). However, in certain subpopulations e.g. in Chinese (in the ChinaMAP database [PMID: 32355288]) the variant was reported with a higher allele frequency (0.00066) which slightly exceeds the maximum expected for a pathogenic variant. The variant has been reported in the literature in a cohort of individuals affected with Fanconi Anemia, however no geno- and phenotype details were provided (Chang_2023). These report(s) do not provide unequivocal conclusions about association of the variant with Fanconi Anemia. To our knowledge, no experimental evidence demonstrating an impact on protein function has been reported. The following publication have been ascertained in the context of this evaluation (PMID: 36463940). ClinVar contains an entry for this variant (Variation ID: 858647). Based on the evidence outlined above, the variant was classified as uncertain significance.

Fulgent Genetics
Classification: Uncertain significance for Fanconi anemia complementation group D2. Last evaluated: 2024-01-15. Review status: criteria provided, single submitter. Criteria: ACMG Guidelines, 2015. Collection method: clinical testing. Allele origin: germline.

Labcorp Genetics (formerly Invitae), Labcorp
Classification: Uncertain significance for Fanconi anemia. Last evaluated: 2021-08-31. Review status: criteria provided, single submitter. Criteria: Invitae Variant Classification Sherloc (09022015). Collection method: clinical testing. Allele origin: germline.
Comment: This sequence change replaces proline with serine at codon 1468 of the FANCD2 protein (p.Pro1468Ser). The proline residue is weakly conserved and there is a moderate physicochemical difference between proline and serine. This variant is present in population databases (rs764865805, ExAC 0.01%). This variant has not been reported in the literature in individuals affected with FANCD2-related conditions. Algorithms developed to predict the effect of missense changes on protein structure and function output the following: SIFT: "Deleterious"; PolyPhen-2: "Not Available"; Align-GVGD: "Class C0". The serine amino acid residue is found in multiple mammalian species, which suggests that this missense change does not adversely affect protein function. In summary, the available evidence is currently insufficient to determine the role of this variant in disease. Therefore, it has been classified as a Variant of Uncertain Significance.

Literature cited by the submitters: PubMed 36463940 (cited by Women's Health and Genetics/Laboratory Corporation of America, LabCorp).

NM_001018115.3(FANCD2):c.4281+121C>T

Genes: FANCD2 (FA complementation group D2; plus strand), FANCD2OS (FANCD2 opposite strand; minus strand). Cytogenetic location: 3p25.3.
Variant type: single nucleotide variant.
Coding change: c.4281+121C>T on transcript NM_001018115.3 (MANE Select); 121 bases into the intron after coding-DNA position 4281, C replaced by T.
Molecular consequence: intron variant. On other transcripts: missense variant (2).
Genome position (GRCh38, 1-based): chr3:10,098,936, C>T. VCF-style: chr3-10098936-C-T. GRCh37 (hg19) VCF-style: chr3-10140620-C-T.
Other names: c.4402C>T (NM_033084.4); c.4363C>T, p.Pro1455Ser (NM_001374254.1); c.4402C>T, p.Pro1468Ser (NM_033084.6); c.4281+121C>T (NM_001319984.2); c.4170+121C>T (NM_001374253.1); c.*43+5262G>A (NM_173472.2); short protein forms P1455S, P1468S.
Identifiers: ClinVar variation 858647 (VCV000858647.10), dbSNP rs764865805, ClinGen allele CA2250687.